The following is an entry in ClinVar:

NM_001303256.3(MORC2):c.2361C>A (p.Asp787Glu)

Gene: MORC2 (MORC family CW-type zinc finger 2; minus strand). Cytogenetic location: 22q12.2.
Variant type: single nucleotide variant.
Coding change: c.2361C>A on transcript NM_001303256.3 (MANE Select); coding-DNA position 2361, C replaced by A.
Protein change: p.Asp787Glu; replaces aspartic acid 787 with glutamic acid.
Molecular consequence: missense variant.
Genome position (GRCh38, 1-based): chr22:30,933,485, G>T on the plus strand (C>A on the coding strand, the complement: MORC2 is on the minus strand). VCF-style: chr22-30933485-G-T. GRCh37 (hg19) VCF-style: chr22-31329472-G-T.
Other names: c.2361C>A, p.Asp787Glu (NM_001303257.2); c.2175C>A, p.Asp725Glu (NM_014941.3); short protein forms D725E, D787E.
Identifiers: ClinVar variation 1015614 (VCV001015614.7), dbSNP rs766384151, ClinGen allele CA10186689.

ClinVar aggregate classification (germline): Uncertain significance (1 of 4 stars; one submission).

Conditions:
Charcot-Marie-Tooth disease axonal type 2Z. Also called: CHARCOT-MARIE-TOOTH DISEASE, AXONAL, AUTOSOMAL DOMINANT, TYPE 2Z; CHARCOT-MARIE-TOOTH NEUROPATHY, TYPE 2Z. Identifiers: Orphanet 466768, MedGen C5569025, MONDO:0014736, OMIM 616688.

Allele frequency attached by ClinVar (database versions not stated): TOPMed 0.00003.
gnomAD v4.1: 9 of 1,613,750 alleles (0.00056%); highest among the groups gnomAD compares: African/African-American, 0.012%; no homozygotes.

Submission:

Labcorp Genetics (formerly Invitae), Labcorp
Classification: Uncertain significance for Charcot-Marie-Tooth disease axonal type 2Z. Last evaluated: 2022-12-30. Review status: criteria provided, single submitter. Criteria: Invitae Variant Classification Sherloc (09022015). Collection method: clinical testing. Allele origin: germline.
Comment: In summary, the available evidence is currently insufficient to determine the role of this variant in disease. Therefore, it has been classified as a Variant of Uncertain Significance. Advanced modeling of protein sequence and biophysical properties (such as structural, functional, and spatial information, amino acid conservation, physicochemical variation, residue mobility, and thermodynamic stability) performed at Invitae indicates that this missense variant is not expected to disrupt MORC2 protein function. ClinVar contains an entry for this variant (Variation ID: 1015614). This variant has not been reported in the literature in individuals affected with MORC2-related conditions. This variant is present in population databases (rs766384151, gnomAD 0.02%). This sequence change replaces aspartic acid, which is acidic and polar, with glutamic acid, which is acidic and polar, at codon 787 of the MORC2 protein (p.Asp787Glu).